The following is an entry in ClinVar:

NM_004937.3(CTNS):c.535G>A (p.Gly179Ser)

Genes: CTNS-AS1 (CTNS antisense RNA 1; minus strand), CTNS (cystinosin, lysosomal cystine transporter; plus strand). Cytogenetic location: 17p13.2.
Variant type: single nucleotide variant.
Coding change: c.535G>A on transcript NM_004937.3 (MANE Select); coding-DNA position 535, G replaced by A.
Protein change: p.Gly179Ser; replaces glycine 179 with serine.
Molecular consequence: missense variant.
Genome position (GRCh38, 1-based): chr17:3,656,560, G>A. VCF-style: chr17-3656560-G-A. GRCh37 (hg19) VCF-style: chr17-3559854-G-A.
Other names: c.535G>A (NM_004937.2); c.535G>A, p.Gly179Ser (NM_001031681.3, NM_001374492.1); c.94G>A, p.Gly32Ser (NM_001374493.1, NM_001374494.1, NM_001374495.1 and 1 more transcripts); short protein forms G179S, G32S.
Identifiers: ClinVar variation 1477963 (VCV001477963.7), dbSNP rs752632797, ClinGen allele CA8291769.

ClinVar aggregate classification (germline): Uncertain significance. Review status: criteria provided, multiple submitters, no conflicts (2 of 4 stars). 2 submissions from 2 submitters: Uncertain significance (2). Last evaluated 2025-11-11.

Conditions:
Inborn genetic diseases. Identifiers: MedGen C0950123, MeSH D030342.
Juvenile nephropathic cystinosis. Also called: Intermediate Cystinosis; CYSTINOSIS, LATE-ONSET JUVENILE OR ADOLESCENT NEPHROPATHIC TYPE; Later-Onset (Juvenile) Cystinosis. Identifiers: Orphanet 213, Orphanet 411634, MedGen C0268626, MONDO:0009066, OMIM 219900.
Ocular cystinosis. Also called: Non-Nephropathic Cystinosis; Non-Nephropathic (Ocular) Cystinosis. Identifiers: Orphanet 213, Orphanet 411641, MedGen C2931013, MONDO:0009064, OMIM 219750.

Allele frequency attached by ClinVar (database versions not stated): ExAC 0.00001; gnomAD 0.00001; gnomAD exomes 0.00002.
gnomAD v4.1: 24 of 1,609,160 alleles (0.0015%); highest among the groups gnomAD compares: African/African-American, 0.0027%; no homozygotes.

Submissions (2):

Ambry Genetics
Classification: Uncertain significance for Inborn genetic diseases. Last evaluated: 2025-11-11. Review status: criteria provided, single submitter. Criteria: Ambry Variant Classification Scheme 2023. Collection method: clinical testing. Allele origin: germline.

Labcorp Genetics (formerly Invitae), Labcorp
Classification: Uncertain significance for Inborn genetic diseases; Ocular cystinosis; Juvenile nephropathic cystinosis. Last evaluated: 2021-11-01. Review status: criteria provided, single submitter. Criteria: Invitae Variant Classification Sherloc (09022015). Collection method: clinical testing. Allele origin: germline.
Comment: This sequence change replaces glycine, which is neutral and non-polar, with serine, which is neutral and polar, at codon 179 of the CTNS protein (p.Gly179Ser). This variant is present in population databases (rs752632797, gnomAD 0.007%). This variant has not been reported in the literature in individuals affected with CTNS-related conditions. Advanced modeling of protein sequence and biophysical properties (such as structural, functional, and spatial information, amino acid conservation, physicochemical variation, residue mobility, and thermodynamic stability) performed at Invitae indicates that this missense variant is not expected to disrupt CTNS protein function. Algorithms developed to predict the effect of sequence changes on RNA splicing suggest that this variant may create or strengthen a splice site. In summary, the available evidence is currently insufficient to determine the role of this variant in disease. Therefore, it has been classified as a Variant of Uncertain Significance.